The following is an entry in ClinVar:

ClinVar aggregate classification (germline): Uncertain significance (1 of 4 stars; one submission).

Conditions:
Holoprosencephaly 3 (HPE3). Identifiers: Orphanet 2162, MedGen C1840529, MONDO:0007733, OMIM 142945.

Allele frequency attached by ClinVar (database versions not stated): gnomAD exomes below 0.00001.
gnomAD v4.1: 3 of 873,334 alleles (0.00034%); highest among the groups gnomAD compares: Non-Finnish European, 0.00048%; no homozygotes.

Submission:

Labcorp Genetics (formerly Invitae), Labcorp
Classification: Uncertain significance for Holoprosencephaly 3. Last evaluated: 2022-11-03. Review status: criteria provided, single submitter. Criteria: Invitae Variant Classification Sherloc (09022015). Collection method: clinical testing. Allele origin: germline.
Comment: In summary, the available evidence is currently insufficient to determine the role of this variant in disease. Therefore, it has been classified as a Variant of Uncertain Significance. Experimental studies and prediction algorithms are not available or were not evaluated, and the functional significance of this variant is currently unknown. This variant has not been reported in the literature in individuals affected with SHH-related conditions. This variant is not present in population databases (gnomAD no frequency). This variant occurs in a non-coding region of the SHH gene. It does not change the encoded amino acid sequence of the SHH protein.

NC_000007.14:g.156763897A>G

Genes: LMBR1 (limb development membrane protein 1; minus strand), SHH (sonic hedgehog signaling molecule; minus strand). Cytogenetic location: 7q36.3.
Variant type: single nucleotide variant.
Molecular consequence: intron variant (on NM_022458.4).
Genome position: GRCh38 VCF-style: chr7-156763897-A-G. GRCh37 (hg19) VCF-style: chr7-156556591-A-G.
Other names: c.424-102T>C (NM_022458.4, NM_001363409.2, NM_001350953.2 and 1 more transcripts); c.-33-102T>C (NM_001350958.2, NM_001350956.2, NM_001350955.2 and 1 more transcripts); c.55-102T>C (NM_001350957.2, NM_001363411.2); c.361-102T>C (NM_001363412.2); c.145-102T>C (NM_001350954.2).
Identifiers: ClinVar variation 2805040 (VCV002805040.3), dbSNP rs2535769686, ClinGen allele CA2685817277.